The following is an entry in ClinVar:

NM_001394862.1(PRB3):c.783A>G (p.Pro261=)

Gene: PRB3 (proline rich protein BstNI subfamily 3; minus strand). Cytogenetic location: 12p13.2.
Variant type: single nucleotide variant.
Coding change: c.783A>G on transcript NM_001394862.1 (MANE Select); coding-DNA position 783, A replaced by G.
Protein change: p.Pro261=; no amino-acid change (proline 261 retained).
Molecular consequence: synonymous variant.
Genome position (GRCh38, 1-based): chr12:11,267,466, T>C on the plus strand (A>G on the coding strand, the complement: PRB3 is on the minus strand). VCF-style: chr12-11267466-T-C. GRCh37 (hg19) VCF-style: chr12-11420400-T-C.
Other names: c.657A>G, p.Pro219= (NM_006249.5).
Identifiers: ClinVar variation 4083773 (VCV004083773.8).

ClinVar aggregate classification (germline): Likely benign (1 of 4 stars; one submission).

gnomAD v4.1: 104 of 1,189,300 alleles (0.0087%); highest among the groups gnomAD compares: East Asian, 0.19%; 6 homozygotes.

Submission:

CeGaT Center for Human Genetics Tuebingen
Classification: Likely benign. Last evaluated: 2025-07-01. Review status: criteria provided, single submitter. Criteria: CeGaT Center For Human Genetics Tuebingen Variant Classification Criteria Version 2. Collection method: clinical testing. Allele origin: germline. Affected: yes. Observed: 1 variant allele.
Comment: PRB3: BP4, BP7